The following is an entry in ClinVar:

NM_015559.3(SETBP1):c.3730C>G (p.Gln1244Glu)

Gene: SETBP1 (SET binding protein 1; plus strand). Cytogenetic location: 18q12.3.
Variant type: single nucleotide variant.
Coding change: c.3730C>G on transcript NM_015559.3 (MANE Select); coding-DNA position 3730, C replaced by G.
Protein change: p.Gln1244Glu; replaces glutamine 1244 with glutamic acid.
Molecular consequence: missense variant.
Genome position (GRCh38, 1-based): chr18:44,953,070, C>G. VCF-style: chr18-44953070-C-G. GRCh37 (hg19) VCF-style: chr18-42533035-C-G.
Other names: c.3730C>G, p.Gln1244Glu (NM_001379141.1, NM_001379142.1); short protein forms Q1244E.
Identifiers: ClinVar variation 1373631 (VCV001373631.6), dbSNP rs2145114937, ClinGen allele CA402325060.
Genomic context (GRCh38, chr18:44,953,070, plus strand): 5'-AACAACTTTGAGGTGGACACCCTGTCTACACTGTCACTTTCCGACGCCCAGCATTGGACA[C>G]AGGCCAAGGAAAAAGGAGACTTGAGCAGTGAGCCTGTGGACTCATGCACGAAAAGATACT-3'
Protein context (NP_056374.2, residues 1234-1254): LSLSDAQHWT[Gln1244Glu]AKEKGDLSSE

ClinVar aggregate classification (germline): Uncertain significance (1 of 4 stars; one submission).

Submission:

Labcorp Genetics (formerly Invitae), Labcorp
Classification: Uncertain significance. Last evaluated: 2022-02-08. Review status: criteria provided, single submitter. Criteria: Invitae Variant Classification Sherloc (09022015). Collection method: clinical testing. Allele origin: germline.
Comment: This sequence change replaces glutamine, which is neutral and polar, with glutamic acid, which is acidic and polar, at codon 1244 of the SETBP1 protein (p.Gln1244Glu). This variant is not present in population databases (gnomAD no frequency). This variant has not been reported in the literature in individuals affected with SETBP1-related conditions. Algorithms developed to predict the effect of missense changes on protein structure and function (SIFT, PolyPhen-2, Align-GVGD) all suggest that this variant is likely to be tolerated. In summary, the available evidence is currently insufficient to determine the role of this variant in disease. Therefore, it has been classified as a Variant of Uncertain Significance.